The following is an entry in ClinVar:

ClinVar aggregate classification (germline): Benign. Review status: criteria provided, multiple submitters, no conflicts (2 of 4 stars). 4 submissions from 2 submitters: Benign (4). Last evaluated 2018-01-13.

Conditions:
Familial cold autoinflammatory syndrome 1 (FCAS1). Also called: CRYOPYRIN-ASSOCIATED PERIODIC SYNDROME 1; Familial cold inflammatory syndrome 1. Identifiers: Orphanet 47045, MedGen C4551895, MONDO:0007349, OMIM 120100.
Chronic infantile neurological, cutaneous and articular syndrome (CINCA). Also called: CHRONIC NEUROLOGIC CUTANEOUS AND ARTICULAR SYNDROME; CINCA syndrome; Prieur Griscelli syndrome; CRYOPYRIN-ASSOCIATED PERIODIC SYNDROME 3. Identifiers: Orphanet 1451, MedGen C0409818, MONDO:0011776, OMIM 607115.
Familial amyloid nephropathy with urticaria AND deafness (MWS). Also called: UDA SYNDROME; URTICARIA-DEAFNESS-AMYLOIDOSIS SYNDROME; MUCKLE-WELLS SYNDROME; Urticaria, deafness and amyloidosis; CRYOPYRIN-ASSOCIATED PERIODIC SYNDROME 2. Identifiers: Orphanet 575, MedGen C0268390, MONDO:0008633, OMIM 191900.

Allele frequency attached by ClinVar (database versions not stated): 1000 Genomes Project 30x 0.99735; TOPMed 0.99741; gnomAD 0.99765 and 0.99781; 1000 Genomes Project 0.99780; gnomAD exomes 0.99982.
gnomAD v4.1: 295,890 of 296,246 alleles (100%); highest among the groups gnomAD compares: Middle Eastern, 100%; 147,772 homozygotes.

Submissions (4):

Illumina Laboratory Services, Illumina
Classification: Benign for Chronic infantile neurological, cutaneous and articular syndrome. Last evaluated: 2018-01-13. Review status: criteria provided, single submitter. Criteria: ICSL Variant Classification Criteria 13 December 2019. Collection method: clinical testing. Allele origin: germline.
Comment: This variant was observed in the ICSL laboratory as part of a predisposition screen in an ostensibly healthy population. It had not been previously curated by ICSL or reported in the Human Gene Mutation Database (HGMD: prior to June 1st, 2018), and was therefore a candidate for classification through an automated scoring system. Utilizing variant allele frequency, disease prevalence and penetrance estimates, and inheritance mode, an automated score was calculated to assess if this variant is too frequent to cause the disease. Based on the score and internal cut-off values, a variant classified as benign is not then subjected to further curation. The score for this variant resulted in a classification of benign for this disease.

Illumina Laboratory Services, Illumina
Classification: Benign for Familial amyloid nephropathy with urticaria AND deafness. Last evaluated: 2018-01-13. Review status: criteria provided, single submitter. Criteria: ICSL Variant Classification Criteria 13 December 2019. Collection method: clinical testing. Allele origin: germline.
Comment: the same text as in the submission from Illumina Laboratory Services, Illumina above.

Illumina Laboratory Services, Illumina
Classification: Benign for Familial cold autoinflammatory syndrome 1. Last evaluated: 2018-01-13. Review status: criteria provided, single submitter. Criteria: ICSL Variant Classification Criteria 13 December 2019. Collection method: clinical testing. Allele origin: germline.
Comment: the same text as in the submission from Illumina Laboratory Services, Illumina above.

Breakthrough Genomics
Classification: Benign. Review status: criteria provided, single submitter. Criteria: ACMG Guidelines, 2015. Collection method: not provided. Allele origin: germline. Inheritance: Autosomal dominant inheritance. Affected: yes.

NM_001243133.2(NLRP3):c.-411T>C

Gene: NLRP3 (NLR family pyrin domain containing 3; plus strand). Cytogenetic location: 1q44.
Variant type: single nucleotide variant.
Coding change: c.-411T>C on transcript NM_001243133.2 (MANE Select); 411 bases upstream of the start codon, T replaced by C.
Molecular consequence: 5 prime UTR variant. On other transcripts: intron variant (1).
Genome position (GRCh38, 1-based): chr1:247,418,390, T>C. VCF-style: chr1-247418390-T-C. GRCh37 (hg19) VCF-style: chr1-247581692-T-C.
Other names: c.-411T>C (NM_001127461.3, NM_001127462.3, NM_183395.3); c.-405T>C (NM_004895.5); c.-45+100T>C (NM_001079821.3).
Identifiers: ClinVar variation 296931 (VCV000296931.6), dbSNP rs7523422, ClinGen allele CA10609969.